The following is an entry in ClinVar:

NM_001004356.3(FGFRL1):c.812G>A (p.Arg271His)

Gene: FGFRL1 (fibroblast growth factor receptor like 1; plus strand). Cytogenetic location: 4p16.3.
Variant type: single nucleotide variant.
Coding change: c.812G>A on transcript NM_001004356.3 (MANE Select); coding-DNA position 812, G replaced by A.
Protein change: p.Arg271His; replaces arginine 271 with histidine.
Molecular consequence: missense variant.
Genome position (GRCh38, 1-based): chr4:1,024,404, G>A. VCF-style: chr4-1024404-G-A. GRCh37 (hg19) VCF-style: chr4-1018192-G-A.
Other names: c.812G>A, p.Arg271His (NM_001004358.1, NM_001370296.1, NM_021923.3); short protein forms R271H.
Identifiers: ClinVar variation 1011562 (VCV001011562.5), dbSNP rs370772573, ClinGen allele CA2802872.

ClinVar aggregate classification (germline): Uncertain significance (1 of 4 stars; one submission).

Allele frequency attached by ClinVar (database versions not stated): gnomAD exomes 0.00001 and 0.00004; gnomAD 0.00002 and 0.00003; TOPMed 0.00003; ExAC 0.00005; ESP Exome Variant Server 0.00015.
gnomAD v4.1: 22 of 1,612,482 alleles (0.0014%); highest among the groups gnomAD compares: Admixed American, 0.012%; no homozygotes.

Submission:

Labcorp Genetics (formerly Invitae), Labcorp
Classification: Uncertain significance. Last evaluated: 2024-05-29. Review status: criteria provided, single submitter. Criteria: Invitae Variant Classification Sherloc (09022015). Collection method: clinical testing. Allele origin: germline.
Comment: This sequence change replaces arginine, which is basic and polar, with histidine, which is basic and polar, at codon 271 of the FGFRL1 protein (p.Arg271His). This variant is present in population databases (rs370772573, gnomAD 0.01%). This variant has not been reported in the literature in individuals affected with FGFRL1-related conditions. ClinVar contains an entry for this variant (Variation ID: 1011562). An algorithm developed to predict the effect of missense changes on protein structure and function (PolyPhen-2) suggests that this variant is likely to be disruptive. In summary, the available evidence is currently insufficient to determine the role of this variant in disease. Therefore, it has been classified as a Variant of Uncertain Significance.